The following is an entry in ClinVar:

NM_024334.3(TMEM43):c.487C>G (p.Arg163Gly)

Gene: TMEM43 (transmembrane protein 43; plus strand). Cytogenetic location: 3p25.1.
Variant type: single nucleotide variant.
Coding change: c.487C>G on transcript NM_024334.3 (MANE Select); coding-DNA position 487, C replaced by G.
Protein change: p.Arg163Gly; replaces arginine 163 with glycine.
Molecular consequence: missense variant.
Genome position (GRCh38, 1-based): chr3:14,132,910, C>G. VCF-style: chr3-14132910-C-G. GRCh37 (hg19) VCF-style: chr3-14174410-C-G.
Other names: c.490C>G, p.Arg164Gly (NM_001407274.1); c.487C>G, p.Arg163Gly (NM_001407275.1, NM_001407276.1, NM_001407277.1 and 1 more transcripts); c.472C>G, p.Arg158Gly (NM_001407278.1); c.337C>G, p.Arg113Gly (NM_001407280.1); short protein forms R113G, R158G, R163G, R164G.
Identifiers: ClinVar variation 3070940 (VCV003070940.1), dbSNP rs147336367, ClinGen allele CA351535199.

ClinVar aggregate classification (germline): Uncertain significance (1 of 4 stars; one submission).

Conditions:
Arrhythmogenic right ventricular dysplasia 5. Also called: Arrhythmogenic Right Ventricular Dysplasia/Cardiomyopathy 5; ARRHYTHMOGENIC RIGHT VENTRICULAR DYSPLASIA, FAMILIAL, 5. Identifiers: MedGen C1858379, MONDO:0011459, OMIM 604400.

Submission:

All of Us Research Program, National Institutes of Health
Classification: Uncertain significance for Arrhythmogenic right ventricular dysplasia 5. Last evaluated: 2023-05-08. Review status: criteria provided, single submitter. Criteria: ACMG Guidelines, 2015. Collection method: clinical testing. Allele origin: germline. Inheritance: Autosomal dominant inheritance. Observed: 1 variant allele, 1 heterozygote.
Comment: This study involves interpretation of variants in research participants for the purpose of population health screening. Participant phenotype was not available at the time of variant classification. Additional details can be found in publication PMID: 35346344, PMCID: PMC8962531